The following is an entry in ClinVar:

NM_000238.4(KCNH2):c.2786A>T (p.Glu929Val)

Gene: KCNH2 (potassium voltage-gated channel subfamily H member 2; minus strand). Cytogenetic location: 7q36.1.
Variant type: single nucleotide variant.
Coding change: c.2786A>T on transcript NM_000238.4 (MANE Select); coding-DNA position 2786, A replaced by T.
Protein change: p.Glu929Val; replaces glutamic acid 929 with valine.
Molecular consequence: missense variant.
Genome position (GRCh38, 1-based): chr7:150,947,785, T>A on the plus strand (A>T on the coding strand, the complement: KCNH2 is on the minus strand). VCF-style: chr7-150947785-T-A. GRCh37 (hg19) VCF-style: chr7-150644873-T-A.
Other names: c.2498A>T, p.Glu833Val (NM_001406753.1); c.1766A>T, p.Glu589Val (NM_172057.3); short protein forms E589V, E833V, E929V.
Identifiers: ClinVar variation 3692972 (VCV003692972.3).
Genomic context (GRCh38, chr7:150,947,785, plus strand): 5'-CTGCGGCCTGGGCCCTCATCCTCACTGCTCTCAGGGCTGGAGGGGCCACTGGACGGGCTC[T>A]CCCCCCACGGCCCCCCCGGCCGGCCCCGGCTACTCGGCCCTGCCCCCGCCCGGCCCGGCC-3'
Protein context (NP_000229.1, residues 919-939): SRGRPGGPWG[Glu929Val]SPSSGPSSPE

ClinVar aggregate classification (germline): Uncertain significance. Review status: criteria provided, multiple submitters, no conflicts (2 of 4 stars). 2 submissions from 2 submitters: Uncertain significance (2). Last evaluated 2025-08-30.

Conditions:
Long QT syndrome (LQTS). Identifiers: MedGen C0023976, MeSH D008133, MONDO:0002442. Disease mechanism: loss of function. Inheritance: Various modes of inheritance.
Cardiac arrhythmia. Also called: Arrhythmia; Cardiac rhythm disease. Identifiers: MedGen C0003811, MONDO:0007263, HP:0011675.

Submissions (2):

Color Diagnostics, LLC DBA Color Health
Classification: Uncertain significance for Cardiac arrhythmia. Last evaluated: 2025-08-30. Review status: criteria provided, single submitter. Criteria: ACMG Guidelines, 2015. Collection method: clinical testing. Allele origin: germline.
Comment: This missense variant replaces glutamic acid with valine at codon 929 of the KCNH2 protein. Computational prediction suggests that this variant may have deleterious impact on protein structure and function. To our knowledge, functional studies have not been reported for this variant. This variant has not been reported in individuals affected with KCNH2-related disorders in the literature. This variant has not been identified in the general population by the Genome Aggregation Database (gnomAD). The available evidence is insufficient to determine the role of this variant in disease conclusively. Therefore, this variant is classified as a Variant of Uncertain Significance.

Labcorp Genetics (formerly Invitae), Labcorp
Classification: Uncertain significance for Long QT syndrome. Last evaluated: 2024-07-30. Review status: criteria provided, single submitter. Criteria: Invitae Variant Classification Sherloc (09022015). Collection method: clinical testing. Allele origin: germline.
Comment: This sequence change replaces glutamic acid, which is acidic and polar, with valine, which is neutral and non-polar, at codon 929 of the KCNH2 protein (p.Glu929Val). This variant is not present in population databases (gnomAD no frequency). This variant has not been reported in the literature in individuals affected with KCNH2-related conditions. An algorithm developed to predict the effect of missense changes on protein structure and function (PolyPhen-2) suggests that this variant is likely to be tolerated. In summary, the available evidence is currently insufficient to determine the role of this variant in disease. Therefore, it has been classified as a Variant of Uncertain Significance.